The following is an entry in ClinVar:

NM_000018.4(ACADVL):c.109C>T (p.Arg37Trp)

Genes: ACADVL (acyl-CoA dehydrogenase very long chain; plus strand), LOC130060113 (ATAC-STARR-seq lymphoblastoid silent region 8088; plus strand). Cytogenetic location: 17p13.1.
Variant type: single nucleotide variant.
Coding change: c.109C>T on transcript NM_000018.4 (MANE Select); coding-DNA position 109, C replaced by T.
Protein change: p.Arg37Trp; replaces arginine 37 with tryptophan.
Molecular consequence: missense variant. On other transcripts: 5 prime UTR variant (1).
Genome position (GRCh38, 1-based): chr17:7,220,168, C>T. VCF-style: chr17-7220168-C-T. GRCh37 (hg19) VCF-style: chr17-7123487-C-T.
Other names: NM_000018.4(ACADVL):c.109C>T; p.Arg37Trp; c.109C>T (NM_000018.2); c.109C>T, p.Arg37Trp (NM_001033859.3); c.178C>T, p.Arg60Trp (NM_001270447.2); c.-120C>T (NM_001270448.2); short protein forms R37W, R60W.
Identifiers: ClinVar variation 324982 (VCV000324982.13), dbSNP rs536992268, ClinGen allele CA8337546.

ClinVar aggregate classification (germline): Uncertain significance. Review status: reviewed by expert panel (3 of 4 stars). 5 submissions from 5 submitters: Uncertain significance (1). 4 of the submissions do not count toward it. Last evaluated 2023-02-28.

Conditions:
Inborn genetic diseases. Identifiers: MedGen C0950123, MeSH D030342.
Very long chain acyl-CoA dehydrogenase deficiency (ACADVLD). Also called: VLCAD Deficiency; Very Long-Chain Acyl-Coenzyme A Dehydrogenase Deficiency. Identifiers: Orphanet 26793, MedGen C3887523, MONDO:0008723, OMIM 201475.

Allele frequency attached by ClinVar (database versions not stated): ExAC below 0.00001; gnomAD exomes 0.00001; gnomAD 0.00004; TOPMed 0.00005; 1000 Genomes Project 30x 0.00016; 1000 Genomes Project 0.00020.
gnomAD v4.1: 64 of 1,538,438 alleles (0.0042%); highest among the groups gnomAD compares: Non-Finnish European, 0.0053%; no homozygotes.

Submissions (5):

ClinGen ACADVL Variant Curation Expert Panel, ClinGen
Classification: Uncertain significance for Very long chain acyl-CoA dehydrogenase deficiency. Last evaluated: 2023-02-28. Review status: reviewed by expert panel. Criteria: clingen acadvl acmg specifications v1. Collection method: curation. Allele origin: germline. Inheritance: Autosomal recessive inheritance.
Comment: The c.109C>T variant in ACADVL is a missense variant predicted to cause substitution of arginine by tryptophan at amino acid 37 (p.Arg37Trp). The highest population minor allele frequency in gnomAD v2.1.1 is 0.00002 in the non-Finnish European population, which is lower than the ClinGen ACADVL Variant Curation Expert Panel threshold (<0.001) for PM2_Supporting, meeting this criterion (PM2_Supporting). The computational predictor REVEL gives a score of 0.316, which is below the threshold of 0.5, evidence that does not predict a damaging effect on ACADVL function (BP4). Due to conflicting evidence, this variant is classified as a variant of uncertain significance for autosomal recessive very long chain acyl-CoA dehydrogenase (VLCAD) deficiency based on the ACMG/AMP criteria applied, as specified by the ClinGen ACADVL Variant Curation Expert Panel: PM2_Supporting, BP4. (ACADVL VCEP specifications version 1; approved February 28, 2023)

Labcorp Genetics (formerly Invitae), Labcorp
Classification: Uncertain significance for Very long chain acyl-CoA dehydrogenase deficiency. Last evaluated: 2022-08-09. Review status: criteria provided, single submitter. Criteria: Invitae Variant Classification Sherloc (09022015). Collection method: clinical testing. Allele origin: germline. Not counted in ClinVar's aggregate classification.
Comment: This sequence change replaces arginine, which is basic and polar, with tryptophan, which is neutral and slightly polar, at codon 37 of the ACADVL protein (p.Arg37Trp). The frequency data for this variant in the population databases is considered unreliable, as metrics indicate poor data quality at this position in the gnomAD database. This variant has not been reported in the literature in individuals affected with ACADVL-related conditions. ClinVar contains an entry for this variant (Variation ID: 324982). Algorithms developed to predict the effect of missense changes on protein structure and function output the following: SIFT: "Deleterious"; PolyPhen-2: "Not Available"; Align-GVGD: "Class C0". The tryptophan amino acid residue is found in multiple mammalian species, which suggests that this missense change does not adversely affect protein function. In summary, the available evidence is currently insufficient to determine the role of this variant in disease. Therefore, it has been classified as a Variant of Uncertain Significance.

Ambry Genetics
Classification: Uncertain significance for Inborn genetic diseases. Last evaluated: 2022-06-12. Review status: criteria provided, single submitter. Criteria: Ambry Variant Classification Scheme 2023. Collection method: clinical testing. Allele origin: germline. Not counted in ClinVar's aggregate classification.
Comment: The p.R37W variant (also known as c.109C>T), located in coding exon 2 of the ACADVL gene, results from a C to T substitution at nucleotide position 109. The arginine at codon 37 is replaced by tryptophan, an amino acid with dissimilar properties. This amino acid position is conserved. In addition, this alteration is predicted to be tolerated by in silico analysis. Since supporting evidence is limited at this time, the clinical significance of this alteration remains unclear.

Illumina Laboratory Services, Illumina
Classification: Uncertain significance for Very long chain acyl-CoA dehydrogenase deficiency. Last evaluated: 2018-01-13. Review status: criteria provided, single submitter. Criteria: ICSL Variant Classification Criteria 13 December 2019. Collection method: clinical testing. Allele origin: germline. Not counted in ClinVar's aggregate classification.

Natera, Inc.
Classification: Uncertain significance for Very long chain acyl-CoA dehydrogenase deficiency. Last evaluated: 2020-10-30. Review status: no assertion criteria provided. Collection method: clinical testing. Allele origin: germline. Not counted in ClinVar's aggregate classification.